The following is an entry in ClinVar:

NM_001377229.1(DISP1):c.1902G>A (p.Gly634=)

Gene: DISP1 (dispatched RND transporter family member 1; plus strand). Cytogenetic location: 1q41.
Variant type: single nucleotide variant.
Coding change: c.1902G>A on transcript NM_001377229.1 (MANE Select); coding-DNA position 1902, G replaced by A.
Protein change: p.Gly634=; no amino-acid change (glycine 634 retained).
Molecular consequence: synonymous variant.
Genome position (GRCh38, 1-based): chr1:223,003,299, G>A. VCF-style: chr1-223003299-G-A. GRCh37 (hg19) VCF-style: chr1-223176641-G-A.
Other names: c.1173G>A, p.Gly391= (NM_001350630.2); c.1902G>A, p.Gly634= (NM_001369594.1, NM_001377228.1, NM_032890.5).
Identifiers: ClinVar variation 1907021 (VCV001907021.19), dbSNP rs2528299654, ClinGen allele CA423722637.

ClinVar aggregate classification (germline): Likely benign. Review status: criteria provided, multiple submitters, no conflicts (2 of 4 stars). 2 submissions from 2 submitters: Likely benign (2). Last evaluated 2025-10-18.

Allele frequency attached by ClinVar (database versions not stated): gnomAD exomes below 0.00001.
gnomAD v4.1: 3 of 1,614,174 alleles (0.00019%); highest among the groups gnomAD compares: Non-Finnish European, 0.00025%; no homozygotes.

Submissions (2):

Labcorp Genetics (formerly Invitae), Labcorp
Classification: Likely benign. Last evaluated: 2025-10-18. Review status: criteria provided, single submitter. Criteria: Invitae Variant Classification Sherloc (09022015). Collection method: clinical testing. Allele origin: germline.

CeGaT Center for Human Genetics Tuebingen
Classification: Likely benign. Last evaluated: 2024-10-01. Review status: criteria provided, single submitter. Criteria: CeGaT Center For Human Genetics Tuebingen Variant Classification Criteria Version 2. Collection method: clinical testing. Allele origin: germline. Affected: yes. Observed: 1 variant allele.
Comment: DISP1: BP4, BP7